The following is an entry in ClinVar:

ClinVar aggregate classification (germline): Uncertain significance (1 of 4 stars; one submission).

Allele frequency attached by ClinVar (database versions not stated): gnomAD 0.00001.
gnomAD v4.1: 1 of 1,613,982 alleles (0.000062%); highest among the groups gnomAD compares: Non-Finnish European, 0.000085%; no homozygotes.

Submission:

Labcorp Genetics (formerly Invitae), Labcorp
Classification: Uncertain significance. Last evaluated: 2021-03-29. Review status: criteria provided, single submitter. Criteria: Invitae Variant Classification Sherloc (09022015). Collection method: clinical testing. Allele origin: germline.
Comment: In summary, the available evidence is currently insufficient to determine the role of this variant in disease. Therefore, it has been classified as a Variant of Uncertain Significance. Algorithms developed to predict the effect of missense changes on protein structure and function are either unavailable or do not agree on the potential impact of this missense change (SIFT: "Not Available"; PolyPhen-2: "Possibly Damaging"; Align-GVGD: "Not Available"). This variant has not been reported in the literature in individuals with KCNK4-related conditions. This variant is not present in population databases (ExAC no frequency). This sequence change replaces leucine with valine at codon 166 of the KCNK4 protein (p.Leu166Val). The leucine residue is moderately conserved and there is a small physicochemical difference between leucine and valine.

NM_033310.3(KCNK4):c.496C>G (p.Leu166Val)

Genes: KCNK4 (potassium two pore domain channel subfamily K member 4; plus strand), KCNK4-CATSPERZ (KCNK4-CATSPERZ readthrough (NMD candidate); plus strand). Cytogenetic location: 11q13.1.
Variant type: single nucleotide variant.
Coding change: c.496C>G on transcript NM_033310.3 (MANE Select); coding-DNA position 496, C replaced by G.
Protein change: p.Leu166Val; replaces leucine 166 with valine.
Molecular consequence: missense variant. On other transcripts: non-coding transcript variant (1).
Genome position (GRCh38, 1-based): chr11:64,297,488, C>G. VCF-style: chr11-64297488-C-G. GRCh37 (hg19) VCF-style: chr11-64064960-C-G.
Other names: c.496C>G, p.Leu166Val (NM_001317090.2); short protein forms L166V.
Identifiers: ClinVar variation 1461346 (VCV001461346.6), dbSNP rs1245185752, ClinGen allele CA381165534.
Genomic context (GRCh38, chr11:64,297,488, plus strand): 5'-TGGTGTCTCCTGGGTCCTGCCTACTGCCCCATCCCGCAGAAGTGGCACGTGCCACCGGAG[C>G]TAGTAAGAGTGCTGTCGGCGATGCTTTTCCTGCTGATCGGCTGCCTGCTCTTTGTCCTCA-3'
Protein context (NP_201567.1, residues 156-176): IFLKWHVPPE[Leu166Val]VRVLSAMLFL